The following is an entry in ClinVar:

NM_152383.5(DIS3L2):c.878C>A (p.Pro293His)

Gene: DIS3L2 (DIS3 like 3'-5' exoribonuclease 2; plus strand). Cytogenetic location: 2q37.1.
Variant type: single nucleotide variant.
Coding change: c.878C>A on transcript NM_152383.5 (MANE Select); coding-DNA position 878, C replaced by A.
Protein change: p.Pro293His; replaces proline 293 with histidine.
Molecular consequence: missense variant. On other transcripts: non-coding transcript variant (1).
Genome position (GRCh38, 1-based): chr2:232,136,647, C>A. VCF-style: chr2-232136647-C-A. GRCh37 (hg19) VCF-style: chr2-233001357-C-A.
Other names: c.878C>A, p.Pro293His (NM_001257281.2); short protein forms P293H.
Identifiers: ClinVar variation 416350 (VCV000416350.18), dbSNP rs187563594, ClinGen allele CA2163964.

ClinVar aggregate classification (germline): Conflicting classifications of pathogenicity. Review status: criteria provided, conflicting classifications (1 of 4 stars). 5 submissions from 5 submitters: Uncertain significance (2); Benign (1); Likely benign (1). 1 of the submissions does not count toward it. Last evaluated 2025-12-28.

Conditions:
DIS3L2-related disorder. Also called: DIS3L2-related condition.
Perlman syndrome (PRLMNS). Identifiers: Orphanet 2849, MedGen C0796113, MONDO:0009965, OMIM 267000.

Allele frequency attached by ClinVar (database versions not stated): gnomAD exomes 0.00012 and 0.00020; ExAC 0.00022; 1000 Genomes Project 30x 0.00078; 1000 Genomes Project 0.00080; TOPMed 0.00104; gnomAD 0.00110 and 0.00121; ESP Exome Variant Server 0.00123.
gnomAD v4.1: 339 of 1,613,838 alleles (0.021%); highest among the groups gnomAD compares: African/African-American, 0.44%; 1 homozygote.

Submissions (5):

Labcorp Genetics (formerly Invitae), Labcorp
Classification: Benign for Perlman syndrome. Last evaluated: 2025-12-28. Review status: criteria provided, single submitter. Criteria: Invitae Variant Classification Sherloc (09022015). Collection method: clinical testing. Allele origin: germline.

GeneDx
Classification: Uncertain significance. Last evaluated: 2025-02-07. Review status: criteria provided, single submitter. Criteria: GeneDx Variant Classification Process June 2021. Collection method: clinical testing. Allele origin: germline. Affected: yes.
Comment: In silico analysis supports that this missense variant has a deleterious effect on protein structure/function; This variant is associated with the following publications: (PMID: 35247037, 33719213)

Sema4
Classification: Likely benign for Perlman syndrome. Last evaluated: 2021-10-27. Review status: criteria provided, single submitter. Criteria: Sema4 Curation Guidelines. Collection method: curation. Allele origin: germline.

Baylor Genetics
Classification: Uncertain significance for Perlman syndrome. Last evaluated: 2020-09-18. Review status: criteria provided, single submitter. Criteria: ACMG Guidelines, 2015. Collection method: clinical testing. Allele origin: unknown. Affected: yes. Study: CSER-TexasKidsCanSeq.
Comment: This variant was determined to be of uncertain significance according to ACMG Guidelines, 2015 [PMID:25741868].

PreventionGenetics, part of Exact Sciences
Classification: Likely benign for DIS3L2-related condition. Last evaluated: 2022-06-01. Review status: no assertion criteria provided. Collection method: clinical testing. Allele origin: germline. Not counted in ClinVar's aggregate classification.
Comment: This variant is classified as likely benign based on ACMG/AMP sequence variant interpretation guidelines (Richards et al. 2015 PMID: 25741868, with internal and published modifications).

Literature cited by the submitters: PubMed 33719213 (cited by Sema4).